The following is an entry in ClinVar:

ClinVar aggregate classification (germline): Uncertain significance. Review status: criteria provided, multiple submitters, no conflicts (2 of 4 stars). 7 submissions from 7 submitters: Uncertain significance (7). Last evaluated 2025-11-17.

Conditions:
RYR1-related disorder. Also called: RYR1-related disorders; RYR1-related condition. Identifiers: MedGen CN239331.
King Denborough syndrome (KDS). Identifiers: MedGen C1840365, MONDO:0020485, OMIM 619542.
Central core myopathy (CMYO1A). Also called: CONGENITAL MYOPATHY 1A, AUTOSOMAL DOMINANT, WITH SUSCEPTIBILITY TO MALIGNANT HYPERTHERMIA; Central core disease; Myopathy, central fibrillar. Identifiers: Orphanet 597, MedGen C5830701, MONDO:0007294, OMIM 117000.
Malignant hyperthermia, susceptibility to, 1 (MHS1). Also called: Anesthesia related hyperthermia; Malignant hyperpyrexia; Fulminating hyperpyrexia; Pharmacogenic myopathy; RYR1-Related Malignant Hyperthermia Susceptibility; Malignant hyperthermia suceptibility 1. Identifiers: Orphanet 423, MedGen C2930980, MONDO:0007783, OMIM 145600.
Congenital multicore myopathy with external ophthalmoplegia (CMYO1B). Also called: Minicore myopathy with external ophthalmoplegia; MULTIMINICORE DISEASE WITH EXTERNAL OPHTHALMOPLEGIA; MULTICORE MYOPATHY; Congenital myopathy 1B, autosomal recessive; Minicore myopathy. Identifiers: Orphanet 598, Orphanet 98905, MedGen C1850674, MONDO:0009712, OMIM 255320, HP:0003789.
Congenital myopathy with fiber type disproportion. Also called: Congenital fiber-type disproportion; Congenital fiber-type disproportion myopathy. Identifiers: Orphanet 2020, MedGen C0546264, MONDO:0009711. Inheritance: all.
Inborn genetic diseases. Identifiers: MedGen C0950123, MeSH D030342.

Allele frequency attached by ClinVar (database versions not stated): ExAC below 0.00001; TOPMed 0.00001.
gnomAD v4.1: 5 of 1,549,432 alleles (0.00032%); highest among the groups gnomAD compares: Admixed American, 0.002%; no homozygotes.

Submissions (7):

Color Diagnostics, LLC DBA Color Health
Classification: Uncertain significance for Malignant hyperthermia, susceptibility to, 1. Last evaluated: 2025-11-17. Review status: criteria provided, single submitter. Criteria: ACMG Guidelines, 2015. Collection method: clinical testing. Allele origin: germline.
Comment: This missense variant replaces glycine with tryptophan at codon 1364 of the RYR1 protein. Computational prediction suggests that this variant may not impact protein structure and function. To our knowledge, functional studies have not been reported for this variant. This variant has not been reported in individuals affected with RYR1-related disorders in the literature. This variant has been identified in 1/142650 chromosomes in the general population by the Genome Aggregation Database (gnomAD). The available evidence is insufficient to determine the role of this variant in disease conclusively. Therefore, this variant is classified as a Variant of Uncertain Significance.

Ambry Genetics
Classification: Uncertain significance for Inborn genetic diseases. Last evaluated: 2025-05-14. Review status: criteria provided, single submitter. Criteria: Ambry Variant Classification Scheme 2023. Collection method: clinical testing. Allele origin: germline.

All of Us Research Program, National Institutes of Health
Classification: Uncertain significance for Malignant hyperthermia, susceptibility to, 1. Last evaluated: 2023-09-17. Review status: criteria provided, single submitter. Criteria: ACMG Guidelines, 2015. Collection method: clinical testing. Allele origin: germline. Inheritance: Autosomal dominant inheritance. Observed: 1 variant allele, 1 heterozygote.
Comment: This missense variant replaces glycine with tryptophan at codon 1364 of the RYR1 protein. Computational prediction suggests that this variant may not impact protein structure and function (internally defined REVEL score threshold <= 0.5, PMID: 27666373). To our knowledge, functional studies have not been reported for this variant. This variant has not been reported in individuals affected with RYR1-related disorders in the literature. This variant has been identified in 1/142650 chromosomes in the general population by the Genome Aggregation Database (gnomAD). The available evidence is insufficient to determine the role of this variant in disease conclusively. Therefore, this variant is classified as a Variant of Uncertain Significance.

This study involves interpretation of variants in research participants for the purpose of population health screening. Participant phenotype was not available at the time of variant classification. Additional details can be found in publication PMID: 35346344, PMCID: PMC8962531

GeneDx
Classification: Uncertain significance. Last evaluated: 2022-08-23. Review status: criteria provided, single submitter. Criteria: GeneDx Variant Classification Process June 2021. Collection method: clinical testing. Allele origin: germline. Affected: yes.
Comment: Not observed at significant frequency in large population cohorts (gnomAD); In silico analysis supports that this missense variant does not alter protein structure/function; Has not been previously published as pathogenic or benign to our knowledge

Labcorp Genetics (formerly Invitae), Labcorp
Classification: Uncertain significance for RYR1-related disorder. Last evaluated: 2022-07-26. Review status: criteria provided, single submitter. Criteria: Invitae Variant Classification Sherloc (09022015). Collection method: clinical testing. Allele origin: germline.
Comment: This sequence change replaces glycine, which is neutral and non-polar, with tryptophan, which is neutral and slightly polar, at codon 1364 of the RYR1 protein (p.Gly1364Trp). The frequency data for this variant in the population databases is considered unreliable, as metrics indicate poor data quality at this position in the gnomAD database. This variant has not been reported in the literature in individuals affected with RYR1-related conditions. ClinVar contains an entry for this variant (Variation ID: 159847). Advanced modeling of protein sequence and biophysical properties (such as structural, functional, and spatial information, amino acid conservation, physicochemical variation, residue mobility, and thermodynamic stability) performed at Invitae indicates that this missense variant is not expected to disrupt RYR1 protein function. In summary, the available evidence is currently insufficient to determine the role of this variant in disease. Therefore, it has been classified as a Variant of Uncertain Significance.

Fulgent Genetics
Classification: Uncertain significance for Central core myopathy; Malignant hyperthermia, susceptibility to, 1; Congenital myopathy 4A, autosomal dominant; Congenital multicore myopathy with external ophthalmoplegia; King Denborough syndrome. Last evaluated: 2021-09-09. Review status: criteria provided, single submitter. Criteria: ACMG Guidelines, 2015. Collection method: clinical testing. Allele origin: unknown.

Genetic Services Laboratory, University of Chicago
Classification: Uncertain significance. Last evaluated: 2013-03-04. Review status: criteria provided, single submitter. Criteria: ACMG Guidelines, 2007. Collection method: clinical testing. Allele origin: germline. Inheritance: Autosomal unknown.

NM_000540.3(RYR1):c.4090G>T (p.Gly1364Trp)

Gene: RYR1 (ryanodine receptor 1; plus strand). Cytogenetic location: 19q13.2.
Variant type: single nucleotide variant.
Coding change: c.4090G>T on transcript NM_000540.3 (MANE Select); coding-DNA position 4090, G replaced by T.
Protein change: p.Gly1364Trp; replaces glycine 1364 with tryptophan.
Molecular consequence: missense variant.
Genome position (GRCh38, 1-based): chr19:38,473,701, G>T. VCF-style: chr19-38473701-G-T. GRCh37 (hg19) VCF-style: chr19-38964341-G-T.
Other names: c.4090G>T, p.Gly1364Trp (NM_001042723.2); short protein forms G1364W.
Identifiers: ClinVar variation 159847 (VCV000159847.15), dbSNP rs35869497, ClinGen allele CA024425.